The following continues an entry in ClinVar:

NM_014140.4(SMARCAL1):c.2542G>T (p.Glu848Ter)

Gene: SMARCAL1. ClinVar aggregate classification (germline): Pathogenic. Pathogenic (14).

Submissions 13 to 18 of 18:

Centre for Mendelian Genomics, University Medical Centre Ljubljana
Classification: Pathogenic for Atrioventricular canal defect; Primary microcephaly; Decreased body weight; Disproportionate short-trunk short stature; Focal segmental glomerulosclerosis; Microcephaly; Short stature; Small for gestational age; Steroid-resistant nephrotic syndrome. Last evaluated: 2014-03-04. Review status: criteria provided, single submitter. Criteria: ACMG Guidelines, 2015. Collection method: clinical testing. Allele origin: unknown. Affected: yes.

UNC Molecular Genetics  Laboratory, University of North Carolina at Chapel Hill
Classification: Pathogenic for Schimke immuno-osseous dysplasia. Review status: criteria provided, single submitter. Criteria: ACMG Guidelines, 2015. Collection method: research. Allele origin: germline. Affected: no. Observed: 1 variant allele. Study: NSIGHT-NC NEXUS.
Comment: The SMARCAL1 (p.Glu848*) nonsense variant is predicted to result in nonsense-mediated decay or premature protein termination. This variant was reported in the compound heterozygous state in families with Schimke-immuno-osseous dysplasia (PMID: 15880370; 11799392; 28796785).

carrier finding

Bioscientia Institut fuer Medizinische Diagnostik GmbH, Sonic Healthcare
Classification: Pathogenic for Schimke immuno-osseous dysplasia. Last evaluated: 2018-08-21. Review status: no assertion criteria provided. Collection method: clinical testing. Allele origin: germline. Affected: yes. Not counted in ClinVar's aggregate classification.

Yale Center for Mendelian Genomics, Yale University
Classification: Likely pathogenic for Nephrotic syndrome. Last evaluated: 2017-11-10. Review status: no assertion criteria provided. Collection method: literature only. Allele origin: germline. Affected: yes. Observed: 1 homozygote. Study: Yale Center for Mendelian Genomics. Not counted in ClinVar's aggregate classification.

OMIM
Classification: Pathogenic for SCHIMKE IMMUNOOSSEOUS DYSPLASIA. Last evaluated: 2009-01-01. Review status: no assertion criteria provided. Collection method: literature only. Allele origin: germline. Not counted in ClinVar's aggregate classification.

Institute of Human Genetics, Cologne University
Classification: Likely pathogenic for Schimke immuno-osseous dysplasia. Review status: no assertion criteria provided. Collection method: clinical testing. Allele origin: germline. Inheritance: Autosomal recessive inheritance. Affected: yes. Observed: 1 compound heterozygote. Not counted in ClinVar's aggregate classification.

Literature cited by the submitters: PubMed 11799392 (cited by 4 submitters); PubMed 20301550 (cited by Labcorp Genetics (formerly Invitae), Labcorp and Victorian Clinical Genetics Services, Murdoch Childrens Research Institute); PubMed 15880370 (cited by Labcorp Genetics (formerly Invitae), Labcorp); PubMed 18805831 (cited by 4 submitters); PubMed 19127206 (cited by Labcorp Genetics (formerly Invitae), Labcorp and Illumina Laboratory Services, Illumina); PubMed 22998683 (cited by Labcorp Genetics (formerly Invitae), Labcorp); PubMed 26499378 (cited by 3 submitters); PubMed 28796785 (cited by Labcorp Genetics (formerly Invitae), Labcorp); PubMed 24589093 (cited by Broad Center for Mendelian Genomics, Broad Institute of MIT and Harvard and Illumina Laboratory Services, Illumina); PubMed 16840568 (cited by Illumina Laboratory Services, Illumina); PubMed 17089404 (cited by Illumina Laboratory Services, Illumina); PubMed 21914180 (cited by Illumina Laboratory Services, Illumina); PubMed 29127259 (cited by Yale Center for Mendelian Genomics, Yale University).